The following is an entry in ClinVar:

ClinVar aggregate classification (germline): Pathogenic (1 of 4 stars; one submission).

Conditions:
Leber congenital amaurosis 13 (LCA13). Identifiers: MedGen C2675186, MONDO:0012990, OMIM 612712.

Submission:

Labcorp Genetics (formerly Invitae), Labcorp
Classification: Pathogenic for Leber congenital amaurosis 13. Last evaluated: 2021-07-30. Review status: criteria provided, single submitter. Criteria: Invitae Variant Classification Sherloc (09022015). Collection method: clinical testing. Allele origin: germline.
Comment: This variant has not been reported in the literature in individuals with RDH12-related conditions. For these reasons, this variant has been classified as Pathogenic. This variant disrupts the C-terminus of the RDH12 protein. Another variant that disrupts this region (p.Ala269Glyfs*2) have been determined to be pathogenic (PMID: 23847139, 22065924, 17389517). This suggests that variants that disrupt this region of the protein are likely to be causative of disease. Experimental studies and prediction algorithms are not available for this variant, and the functional significance of the affected amino acid(s) is currently unknown. This variant is not present in population databases (ExAC no frequency). This sequence change results in a premature translational stop signal in the RDH12 gene (p.Ala227Glyfs*50). While this is not anticipated to result in nonsense mediated decay, it is expected to disrupt the last 90 amino acids of the RDH12 protein.

Literature cited by the submitters: PubMed 23847139; PubMed 22065924; PubMed 17389517.

NM_152443.3(RDH12):c.680_683del (p.Ala227fs)

Genes: RDH12 (retinol dehydrogenase 12; plus strand), GPHN (gephyrin; plus strand), ZFYVE26 (zinc finger FYVE-type containing 26; minus strand). Cytogenetic location: 14q24.1.
Variant type: Deletion.
Coding change: c.680_683del on transcript NM_152443.3 (MANE Select); coding-DNA positions 680 to 683, 4 bases deleted (CAGT; older notation c.680_683delCAGT).
Protein change: p.Ala227fs; shifts the reading frame from alanine 227.
Molecular consequence: frameshift variant.
Genome position (GRCh38, 1-based): chr14:67,729,212-67,729,215, CAGT deleted. VCF-style (leftmost placement, unchanged base first): chr14-67729211-GCAGT-G. GRCh37 (hg19) VCF-style: chr14-68195928-GCAGT-G.
Other names: short protein forms A227fs.
Identifiers: ClinVar variation 836859 (VCV000836859.9), dbSNP rs2038232008, ClinGen allele CA916083382.